The following is an entry in ClinVar:

ClinVar aggregate classification (germline): Uncertain significance (1 of 4 stars; one submission).

Conditions:
Infantile neuroaxonal dystrophy (NBIA2A). Also called: NEURODEGENERATION WITH BRAIN IRON ACCUMULATION 2A; SEITELBERGER DISEASE; Infantile neuroaxonal dystrophy 1. Identifiers: Orphanet 35069, MedGen C0270724, MONDO:0024457, OMIM 256600.

Allele frequency attached by ClinVar (database versions not stated): ExAC 0.00001; ESP Exome Variant Server 0.00008.

Submission:

Labcorp Genetics (formerly Invitae), Labcorp
Classification: Uncertain significance for Infantile neuroaxonal dystrophy. Last evaluated: 2021-12-30. Review status: criteria provided, single submitter. Criteria: Invitae Variant Classification Sherloc (09022015). Collection method: clinical testing. Allele origin: germline.
Comment: This sequence change replaces asparagine, which is neutral and polar, with aspartic acid, which is acidic and polar, at codon 52 of the PLA2G6 protein (p.Asn52Asp). This variant is present in population databases (rs374865010, gnomAD 0.0009%). This variant has not been reported in the literature in individuals affected with PLA2G6-related conditions. Advanced modeling of protein sequence and biophysical properties (such as structural, functional, and spatial information, amino acid conservation, physicochemical variation, residue mobility, and thermodynamic stability) performed at Invitae indicates that this missense variant is not expected to disrupt PLA2G6 protein function. In summary, the available evidence is currently insufficient to determine the role of this variant in disease. Therefore, it has been classified as a Variant of Uncertain Significance.

NM_003560.4(PLA2G6):c.154A>G (p.Asn52Asp)

Gene: PLA2G6 (phospholipase A2 group VI; minus strand). Cytogenetic location: 22q13.1.
Variant type: single nucleotide variant.
Coding change: c.154A>G on transcript NM_003560.4 (MANE Select); coding-DNA position 154, A replaced by G.
Protein change: p.Asn52Asp; replaces asparagine 52 with aspartic acid.
Molecular consequence: missense variant. On other transcripts: 5 prime UTR variant (3).
Genome position (GRCh38, 1-based): chr22:38,169,273, T>C on the plus strand (A>G on the coding strand, the complement: PLA2G6 is on the minus strand). VCF-style: chr22-38169273-T-C. GRCh37 (hg19) VCF-style: chr22-38565280-T-C.
Other names: c.154A>G, p.Asn52Asp (NM_001004426.3, NM_001199562.3, NM_001349864.2 and 2 more transcripts); c.-512A>G (NM_001349867.2, NM_001349869.2); c.-337A>G (NM_001349868.2); short protein forms N52D.
Identifiers: ClinVar variation 2162122 (VCV002162122.1), dbSNP rs374865010, ClinGen allele CA10231365.
Genomic context (GRCh38, chr22:38,169,273, plus strand): 5'-CCCACCGGAATCCACTCTGTGAGTTCCTGGGGTTGACCAGGACGCAGTCCCAGGTGCGGT[T>C]GGGAGTGTTCTGGAACAGAATCAGCTGCCCTTCCTCCCGAACTCGGTCACTCGAGGTGTA-3'
Protein context (NP_003551.2, residues 42-62): GQLILFQNTP[Asn52Asp]RTWDCVLVNP